The following is an entry in ClinVar:

NM_002734.5(PRKAR1A):c.298A>C (p.Ile100Leu)

Gene: PRKAR1A (protein kinase cAMP-dependent type I regulatory subunit alpha; plus strand). Cytogenetic location: 17q24.2.
Variant type: single nucleotide variant.
Coding change: c.298A>C on transcript NM_002734.5 (MANE Select); coding-DNA position 298, A replaced by C.
Protein change: p.Ile100Leu; replaces isoleucine 100 with leucine.
Molecular consequence: missense variant.
Genome position (GRCh38, 1-based): chr17:68,522,876, A>C. VCF-style: chr17-68522876-A-C. GRCh37 (hg19) VCF-style: chr17-66519017-A-C.
Other names: c.298A>C, p.Ile100Leu (NM_212472.2, NM_001276289.2, NM_001276290.1 and 4 more transcripts); short protein forms I100L.
Identifiers: ClinVar variation 3343059 (VCV003343059.1).

ClinVar aggregate classification (germline): Uncertain significance (1 of 4 stars; one submission).

Submission:

GeneDx
Classification: Uncertain significance. Last evaluated: 2023-04-10. Review status: criteria provided, single submitter. Criteria: GeneDx Variant Classification Process June 2021. Collection method: clinical testing. Allele origin: germline. Affected: yes.
Comment: Not observed at significant frequency in large population cohorts (gnomAD); In silico analysis supports that this missense variant does not alter protein structure/function; Has not been previously published as pathogenic or benign to our knowledge; This variant is associated with the following publications: (PMID: 24363928)